The following is an entry in ClinVar:

ClinVar aggregate classification (germline): Pathogenic (1 of 4 stars; one submission).

Submission:

GeneDx
Classification: Pathogenic. Last evaluated: 2024-08-23. Review status: criteria provided, single submitter. Criteria: GeneDx Variant Classification Process June 2021. Collection method: clinical testing. Allele origin: germline. Affected: yes.
Comment: Not observed at significant frequency in large population cohorts (gnomAD); In silico analysis supports that this missense variant has a deleterious effect on protein structure/function; This variant is associated with the following publications: (PMID: 37860968)

NM_138576.4(BCL11B):c.2476T>C (p.Cys826Arg)

Gene: BCL11B (BCL11 transcription factor B; minus strand). Cytogenetic location: 14q32.2.
Variant type: single nucleotide variant.
Coding change: c.2476T>C on transcript NM_138576.4 (MANE Select); coding-DNA position 2476, T replaced by C.
Protein change: p.Cys826Arg; replaces cysteine 826 with arginine.
Molecular consequence: missense variant.
Genome position (GRCh38, 1-based): chr14:99,174,360, A>G on the plus strand (T>C on the coding strand, the complement: BCL11B is on the minus strand). VCF-style: chr14-99174360-A-G. GRCh37 (hg19) VCF-style: chr14-99640697-A-G.
Other names: c.2473T>C, p.Cys825Arg (NM_001282237.2); c.2260T>C, p.Cys754Arg (NM_001282238.2); c.2263T>C, p.Cys755Arg (NM_022898.3); short protein forms C754R, C755R, C825R, C826R.
Identifiers: ClinVar variation 3764131 (VCV003764131.1).